The following is an entry in ClinVar:

ClinVar aggregate classification (germline): Uncertain significance (1 of 4 stars; one submission).

Conditions:
Polycystic kidney disease 4 (PKD4). Also called: POLYCYSTIC KIDNEY AND HEPATIC DISEASE 1; POLYCYSTIC KIDNEY DISEASE, INFANTILE, TYPE I; PKD3; Autosomal Recessive Polycystic Kidney Disease – PKHD1; POLYCYSTIC KIDNEY DISEASE 4 WITH OR WITHOUT POLYCYSTIC LIVER DISEASE. Identifiers: MedGen C4540575, MONDO:0033004, OMIM 263200.

Submission:

Neuberg Centre For Genomic Medicine, NCGM
Classification: Uncertain significance for Polycystic kidney disease 4. Review status: criteria provided, single submitter. Criteria: ACMG Guidelines, 2015. Collection method: clinical testing. Allele origin: germline. Inheritance: Autosomal recessive inheritance. Affected: yes.
Comment: The observed missense c.1448T>A p.Val483Asp variant in PKHD1 gene has not been reported previously as a pathogenic variant nor as a benign variant, to our knowledge. The p.Val483Asp variant is absent in gnomAD Exomes. This variant has not been submitted to the ClinVar database. Multiple lines of computational evidence Polyphen - Probably Damaging, SIFT - Daamging and MutationTaster - Disease causing predict a damaging effect on protein structure and function for this variant. The reference amino acid of p.Val483Asp in PKHD1 is predicted as conserved by GERP++ and PhyloP across 100 vertebrates. The amino acid Val at position 483 is changed to a Asp changing protein sequence and it might alter its composition and physico-chemical properties. For these reasons, this variant has been classified as a Variant of Uncertain Significance VUS.

NM_138694.4(PKHD1):c.1448T>A (p.Val483Asp)

Gene: PKHD1 (PKHD1 ciliary IPT domain containing fibrocystin/polyductin; minus strand). Cytogenetic location: 6p12.2.
Variant type: single nucleotide variant.
Coding change: c.1448T>A on transcript NM_138694.4 (MANE Select); coding-DNA position 1448, T replaced by A.
Protein change: p.Val483Asp; replaces valine 483 with aspartic acid.
Molecular consequence: missense variant.
Genome position (GRCh38, 1-based): chr6:52,058,387, A>T on the plus strand (T>A on the coding strand, the complement: PKHD1 is on the minus strand). VCF-style: chr6-52058387-A-T. GRCh37 (hg19) VCF-style: chr6-51923185-A-T.
Other names: c.1448T>A, p.Val483Asp (NM_170724.3); short protein forms V483D.
Identifiers: ClinVar variation 3391211 (VCV003391211.1).
Genomic context (GRCh38, chr6:52,058,387, plus strand): 5'-ACTTCTGGAAGCCTCTGGGCTCGGACTCGGATCTGGTGCTTCTCCCGTAGGTAAGTGGTG[A>T]CCACATCAGGATTCAGCCAGGTGTTGTGAATCTGGACACCAATCCTCATCCCCCTGCTTG-3'
Protein context (NP_619639.3, residues 473-493): IHNTWLNPDV[Val483Asp]TTYLREKHQI